The following is an entry in ClinVar:

NM_080473.5(GATA5):c.175G>T (p.Ala59Ser)

Gene: GATA5 (GATA binding protein 5; minus strand). Cytogenetic location: 20q13.33.
Variant type: single nucleotide variant.
Coding change: c.175G>T on transcript NM_080473.5 (MANE Select); coding-DNA position 175, G replaced by T.
Protein change: p.Ala59Ser; replaces alanine 59 with serine.
Molecular consequence: missense variant.
Genome position (GRCh38, 1-based): chr20:62,475,347, C>A on the plus strand (G>T on the coding strand, the complement: GATA5 is on the minus strand). VCF-style: chr20-62475347-C-A. GRCh37 (hg19) VCF-style: chr20-61050403-C-A.
Other names: short protein forms A59S.
Identifiers: ClinVar variation 2778731 (VCV002778731.3), dbSNP rs1327408328, ClinGen allele CA409557560.

ClinVar aggregate classification (germline): Uncertain significance (1 of 4 stars; one submission).

gnomAD v4.1: 2 of 1,255,674 alleles (0.00016%); highest among the groups gnomAD compares: Non-Finnish European, 0.0001%; no homozygotes.

Submission:

Labcorp Genetics (formerly Invitae), Labcorp
Classification: Uncertain significance. Last evaluated: 2023-11-14. Review status: criteria provided, single submitter. Criteria: Invitae Variant Classification Sherloc (09022015). Collection method: clinical testing. Allele origin: germline.
Comment: This sequence change replaces alanine, which is neutral and non-polar, with serine, which is neutral and polar, at codon 59 of the GATA5 protein (p.Ala59Ser). This variant is not present in population databases (gnomAD no frequency). This variant has not been reported in the literature in individuals affected with GATA5-related conditions. Advanced modeling of protein sequence and biophysical properties (such as structural, functional, and spatial information, amino acid conservation, physicochemical variation, residue mobility, and thermodynamic stability) performed at Invitae indicates that this missense variant is not expected to disrupt GATA5 protein function with a negative predictive value of 80%. In summary, the available evidence is currently insufficient to determine the role of this variant in disease. Therefore, it has been classified as a Variant of Uncertain Significance.